The following is an entry in ClinVar:

ClinVar aggregate classification (germline): Likely benign (1 of 4 stars; one submission).

Conditions:
Familial thoracic aortic aneurysm and aortic dissection (TAAD). Also called: Thoracic aortic aneurysms and dissections. Identifiers: Orphanet 91387, MedGen C4707243, MONDO:0019625.

Submission:

All of Us Research Program, National Institutes of Health
Classification: Likely benign for Familial thoracic aortic aneurysm and aortic dissection. Last evaluated: 2023-09-17. Review status: criteria provided, single submitter. Criteria: ACMG Guidelines, 2015. Collection method: clinical testing. Allele origin: germline. Inheritance: Autosomal dominant inheritance. Observed: 1 variant allele, 1 heterozygote.
Comment: This study involves interpretation of variants in research participants for the purpose of population health screening. Participant phenotype was not available at the time of variant classification. Additional details can be found in publication PMID: 35346344, PMCID: PMC8962531

NM_001613.4(ACTA2):c.130-4T>C

Gene: ACTA2 (actin alpha 2, smooth muscle; minus strand). Cytogenetic location: 10q23.31.
Variant type: single nucleotide variant.
Coding change: c.130-4T>C on transcript NM_001613.4 (MANE Select); 4 bases into the intron before coding-DNA position 130, T replaced by C.
Molecular consequence: intron variant.
Genome position (GRCh38, 1-based): chr10:88,947,390, A>G on the plus strand (T>C on the coding strand, the complement: ACTA2 is on the minus strand). VCF-style: chr10-88947390-A-G. GRCh37 (hg19) VCF-style: chr10-90707147-A-G.
Other names: c.129+1412T>C (NM_001406467.1, NM_001406468.1, NM_001406469.1); c.130-4T>C (NM_001320855.2, NM_001406462.1, NM_001406471.1 and 4 more transcripts).
Identifiers: ClinVar variation 3073484 (VCV003073484.1), dbSNP rs2494571343, ClinGen allele CA2825001732.